The following is an entry in ClinVar:

NM_004444.5(EPHB4):c.2698G>A (p.Asp900Asn)

Gene: EPHB4 (EPH receptor B4; minus strand). Cytogenetic location: 7q22.1.
Variant type: single nucleotide variant.
Coding change: c.2698G>A on transcript NM_004444.5 (MANE Select); coding-DNA position 2698, G replaced by A.
Protein change: p.Asp900Asn; replaces aspartic acid 900 with asparagine.
Molecular consequence: missense variant.
Genome position (GRCh38, 1-based): chr7:100,805,302, C>T on the plus strand (G>A on the coding strand, the complement: EPHB4 is on the minus strand). VCF-style: chr7-100805302-C-T. GRCh37 (hg19) VCF-style: chr7-100402924-C-T.
Other names: short protein forms D900N.
Identifiers: ClinVar variation 3275972 (VCV003275972.1).

ClinVar aggregate classification (germline): Uncertain significance (1 of 4 stars; one submission).

Conditions:
Cardiovascular phenotype. Identifiers: MedGen CN230736.

Submission:

Ambry Genetics
Classification: Uncertain significance for Cardiovascular phenotype. Last evaluated: 2024-03-27. Review status: criteria provided, single submitter. Criteria: Ambry Variant Classification Scheme 2023. Collection method: clinical testing. Allele origin: germline.
Comment: The p.D900N variant (also known as c.2698G>A), located in coding exon 16 of the EPHB4 gene, results from a G to A substitution at nucleotide position 2698. The aspartic acid at codon 900 is replaced by asparagine, an amino acid with highly similar properties. This amino acid position is conserved. In addition, this alteration is predicted to be tolerated by in silico analysis. Based on the available evidence, the clinical significance of this alteration remains unclear.